The following is an entry in ClinVar:

ClinVar aggregate classification (germline): Likely benign (0 of 4 stars; one submission).

Conditions:
KHK-related disorder. Also called: KHK-related condition.

Allele frequency attached by ClinVar (database versions not stated): TOPMed below 0.00001; ExAC 0.00001; gnomAD 0.00001; gnomAD exomes 0.00002.
gnomAD v4.1: 34 of 1,613,268 alleles (0.0021%); highest among the groups gnomAD compares: Non-Finnish European, 0.0029%; no homozygotes.

Submission:

PreventionGenetics, part of Exact Sciences
Classification: Likely benign for KHK-related condition. Last evaluated: 2019-03-27. Review status: no assertion criteria provided. Collection method: clinical testing. Allele origin: germline.
Comment: This variant is classified as likely benign based on ACMG/AMP sequence variant interpretation guidelines (Richards et al. 2015 PMID: 25741868, with internal and published modifications).

NM_006488.3(KHK):c.418-5A>G

Gene: KHK (ketohexokinase; plus strand). Cytogenetic location: 2p23.3.
Variant type: single nucleotide variant.
Coding change: c.418-5A>G on transcript NM_006488.3 (MANE Select); 5 bases into the intron before coding-DNA position 418, A replaced by G.
Molecular consequence: intron variant.
Genome position (GRCh38, 1-based): chr2:27,097,498, A>G. VCF-style: chr2-27097498-A-G. GRCh37 (hg19) VCF-style: chr2-27320366-A-G.
Other names: c.418-5A>G (NM_000221.3).
Identifiers: ClinVar variation 3046748 (VCV003046748.2), dbSNP rs750189672, ClinGen allele CA1569291.